The following is an entry in ClinVar:

ClinVar aggregate classification (germline): Uncertain significance (1 of 4 stars; one submission).

Conditions:
Baller-Gerold syndrome (BGS). Also called: CRANIOSYNOSTOSIS WITH RADIAL DEFECTS. Identifiers: Orphanet 1225, MedGen C0265308, MONDO:0009039, OMIM 218600.

Allele frequency attached by ClinVar (database versions not stated): gnomAD exomes below 0.00001.

Submission:

Labcorp Genetics (formerly Invitae), Labcorp
Classification: Uncertain significance for Baller-Gerold syndrome. Last evaluated: 2022-12-02. Review status: criteria provided, single submitter. Criteria: Invitae Variant Classification Sherloc (09022015). Collection method: clinical testing. Allele origin: germline.
Comment: In summary, the available evidence is currently insufficient to determine the role of this variant in disease. Therefore, it has been classified as a Variant of Uncertain Significance. Advanced modeling of protein sequence and biophysical properties (such as structural, functional, and spatial information, amino acid conservation, physicochemical variation, residue mobility, and thermodynamic stability) performed at Invitae indicates that this missense variant is expected to disrupt RECQL4 protein function. ClinVar contains an entry for this variant (Variation ID: 583171). This variant has not been reported in the literature in individuals affected with RECQL4-related conditions. This variant is present in population databases (no rsID available, gnomAD 0.0009%). This sequence change replaces leucine, which is neutral and non-polar, with proline, which is neutral and non-polar, at codon 1147 of the RECQL4 protein (p.Leu1147Pro).

NM_004260.4(RECQL4):c.3440T>C (p.Leu1147Pro)

Gene: RECQL4 (RecQ like helicase 4; minus strand). Cytogenetic location: 8q24.3.
Variant type: single nucleotide variant.
Coding change: c.3440T>C on transcript NM_004260.4 (MANE Select); coding-DNA position 3440, T replaced by C.
Protein change: p.Leu1147Pro; replaces leucine 1147 with proline.
Molecular consequence: missense variant.
Genome position (GRCh38, 1-based): chr8:144,511,743, A>G on the plus strand (T>C on the coding strand, the complement: RECQL4 is on the minus strand). VCF-style: chr8-144511743-A-G. GRCh37 (hg19) VCF-style: chr8-145737126-A-G.
Other names: short protein forms L1147P.
Identifiers: ClinVar variation 583171 (VCV000583171.7), dbSNP rs1446094881, ClinGen allele CA16622037.